The following is an entry in ClinVar:

NM_000271.5(NPC1):c.3086A>G (p.His1029Arg)

Gene: NPC1 (NPC intracellular cholesterol transporter 1; minus strand). Cytogenetic location: 18q11.2.
Variant type: single nucleotide variant.
Coding change: c.3086A>G on transcript NM_000271.5 (MANE Select); coding-DNA position 3086, A replaced by G.
Protein change: p.His1029Arg; replaces histidine 1029 with arginine.
Molecular consequence: missense variant.
Genome position (GRCh38, 1-based): chr18:23,536,832, T>C on the plus strand (A>G on the coding strand, the complement: NPC1 is on the minus strand). VCF-style: chr18-23536832-T-C. GRCh37 (hg19) VCF-style: chr18-21116796-T-C.
Other names: short protein forms H1029R.
Identifiers: ClinVar variation 1522894 (VCV001522894.5), dbSNP rs747201863, ClinGen allele CA401791967.

ClinVar aggregate classification (germline): Uncertain significance (1 of 4 stars; one submission).

Conditions:
Niemann-Pick disease, type C1. Also called: NEUROVISCERAL STORAGE DISEASE WITH VERTICAL SUPRANUCLEAR OPHTHALMOPLEGIA; NIEMANN-PICK DISEASE WITH CHOLESTEROL ESTERIFICATION BLOCK; NIEMANN-PICK DISEASE WITHOUT SPHINGOMYELINASE DEFICIENCY; NIEMANN-PICK DISEASE, CHRONIC NEURONOPATHIC FORM; NIEMANN-PICK DISEASE, VARIANT TYPE C1. Identifiers: Orphanet 646, MedGen C3179455, MONDO:0009757, OMIM 257220.

gnomAD v4.1: 11 of 1,614,114 alleles (0.00068%); highest among the groups gnomAD compares: East Asian, 0.011%; no homozygotes.

Submission:

Labcorp Genetics (formerly Invitae), Labcorp
Classification: Uncertain significance for Niemann-Pick disease, type C1. Last evaluated: 2021-09-17. Review status: criteria provided, single submitter. Criteria: Invitae Variant Classification Sherloc (09022015). Collection method: clinical testing. Allele origin: germline.
Comment: This sequence change replaces histidine with arginine at codon 1029 of the NPC1 protein (p.His1029Arg). The histidine residue is weakly conserved and there is a small physicochemical difference between histidine and arginine. This variant is not present in population databases (ExAC no frequency). This variant has not been reported in the literature in individuals with NPC1-related conditions. Algorithms developed to predict the effect of missense changes on protein structure and function (SIFT, PolyPhen-2, Align-GVGD) all suggest that this variant is likely to be tolerated, but these predictions have not been confirmed by published functional studies and their clinical significance is uncertain. In summary, the available evidence is currently insufficient to determine the role of this variant in disease. Therefore, it has been classified as a Variant of Uncertain Significance.